The following is an entry in ClinVar:

ClinVar aggregate classification (germline): Uncertain significance. Review status: criteria provided, multiple submitters, no conflicts (2 of 4 stars). 2 submissions from 2 submitters: Uncertain significance (2). Last evaluated 2026-03-31.

Conditions:
RAI1-related disorder. Also called: RAI1-related condition.

gnomAD v4.1: 5 of 1,613,904 alleles (0.00031%); highest among the groups gnomAD compares: Non-Finnish European, 0.00042%; no homozygotes.

Submissions (2):

PreventionGenetics, part of Exact Sciences
Classification: Uncertain significance for RAI1-related condition. Last evaluated: 2026-03-31. Review status: criteria provided, single submitter. Criteria: ACMG Guidelines, 2015. Collection method: clinical testing. Allele origin: germline.
Comment: The RAI1 c.5162A>G variant is predicted to result in the amino acid substitution p.Glu1721Gly. To our knowledge, this variant has not been reported in the literature or in a large population database (gnomAD), indicating this variant is rare. At this time, the clinical significance of this variant is uncertain due to the absence of conclusive functional and genetic evidence.

Labcorp Genetics (formerly Invitae), Labcorp
Classification: Uncertain significance. Last evaluated: 2024-04-17. Review status: criteria provided, single submitter. Criteria: Invitae Variant Classification Sherloc (09022015). Collection method: clinical testing. Allele origin: germline.
Comment: This sequence change replaces glutamic acid, which is acidic and polar, with glycine, which is neutral and non-polar, at codon 1721 of the RAI1 protein (p.Glu1721Gly). This variant is not present in population databases (gnomAD no frequency). This variant has not been reported in the literature in individuals affected with RAI1-related conditions. Advanced modeling of protein sequence and biophysical properties (such as structural, functional, and spatial information, amino acid conservation, physicochemical variation, residue mobility, and thermodynamic stability) performed at Invitae indicates that this missense variant is not expected to disrupt RAI1 protein function with a negative predictive value of 80%. In summary, the available evidence is currently insufficient to determine the role of this variant in disease. Therefore, it has been classified as a Variant of Uncertain Significance.

NM_030665.4(RAI1):c.5162A>G (p.Glu1721Gly)

Gene: RAI1 (retinoic acid induced 1; plus strand). Cytogenetic location: 17p11.2.
Variant type: single nucleotide variant.
Coding change: c.5162A>G on transcript NM_030665.4 (MANE Select); coding-DNA position 5162, A replaced by G.
Protein change: p.Glu1721Gly; replaces glutamic acid 1721 with glycine.
Molecular consequence: missense variant.
Genome position (GRCh38, 1-based): chr17:17,798,110, A>G. VCF-style: chr17-17798110-A-G. GRCh37 (hg19) VCF-style: chr17-17701424-A-G.
Other names: c.5162A>G (NM_030665.3); short protein forms E1721G.
Identifiers: ClinVar variation 3618485 (VCV003618485.3).